The following is an entry in ClinVar:

NM_001372076.1(PAX9):c.514_516delinsCAA (p.Lys172Gln)

Gene: PAX9 (paired box 9; plus strand). Cytogenetic location: 14q13.3.
Variant type: Indel.
Coding change: c.514_516delinsCAA on transcript NM_001372076.1 (MANE Select); coding-DNA positions 514 to 516, AAG replaced by CAA.
Protein change: p.Lys172Gln; replaces lysine 172 with glutamine.
Molecular consequence: missense variant.
Genome position (GRCh38, 1-based): chr14:36,663,406-36,663,408, AAG replaced by CAA. VCF-style: chr14-36663406-AAG-CAA. GRCh37 (hg19) VCF-style: chr14-37132611-AAG-CAA.
Other names: c.514_516delinsCAA, p.Lys172Gln (NM_006194.4); short protein forms K172Q.
Identifiers: ClinVar variation 3032991 (VCV003032991.2), dbSNP rs2502238772, ClinGen allele CA2740097068.

ClinVar aggregate classification (germline): Uncertain significance (0 of 4 stars; one submission).

Conditions:
PAX9-related disorder. Also called: PAX9-related condition.

Submission:

PreventionGenetics, part of Exact Sciences
Classification: Uncertain significance for PAX9-related condition. Last evaluated: 2024-01-26. Review status: no assertion criteria provided. Collection method: clinical testing. Allele origin: germline.
Comment: The PAX9 c.514_516delinsCAA variant is predicted to result in an in-frame deletion and insertion. To our knowledge, this variant has not been reported in the literature or in a large population database, indicating this variant is rare. At this time, the clinical significance of this variant is uncertain due to the absence of conclusive functional and genetic evidence.